The following is an entry in ClinVar:

NM_007186.6(CEP250):c.1112T>A (p.Leu371Ter)

Genes: CEP250 (centrosomal protein 250; plus strand), CEP250-AS1 (CEP250 antisense RNA 1; minus strand). Cytogenetic location: 20q11.22.
Variant type: single nucleotide variant.
Coding change: c.1112T>A on transcript NM_007186.6 (MANE Select); coding-DNA position 1112, T replaced by A.
Protein change: p.Leu371Ter; replaces leucine 371 with a stop codon.
Molecular consequence: nonsense. On other transcripts: non-coding transcript variant (7), 5 prime UTR variant (1).
Genome position (GRCh38, 1-based): chr20:35,472,734, T>A. VCF-style: chr20-35472734-T-A. GRCh37 (hg19) VCF-style: chr20-34060559-T-A.
Other names: c.-788T>A (NM_001318219.1); short protein forms L371*.
Identifiers: ClinVar variation 2765565 (VCV002765565.3), dbSNP rs1182592818, ClinGen allele CA408759324.

ClinVar aggregate classification (germline): Pathogenic (1 of 4 stars; one submission).

Submission:

Labcorp Genetics (formerly Invitae), Labcorp
Classification: Pathogenic. Last evaluated: 2023-10-04. Review status: criteria provided, single submitter. Criteria: Invitae Variant Classification Sherloc (09022015). Collection method: clinical testing. Allele origin: germline.
Comment: This sequence change creates a premature translational stop signal (p.Leu371*) in the CEP250 gene. It is expected to result in an absent or disrupted protein product. Loss-of-function variants in CEP250 are known to be pathogenic (PMID: 24780881, 29718797). This variant is not present in population databases (gnomAD no frequency). This variant has not been reported in the literature in individuals affected with CEP250-related conditions. For these reasons, this variant has been classified as Pathogenic.

Literature cited by the submitters: PubMed 24780881; PubMed 29718797.